The following is an entry in ClinVar:

NM_003076.5(SMARCD1):c.1312C>T (p.Arg438Trp)

Gene: SMARCD1 (SWI/SNF related, matrix associated, actin dependent regulator of chromatin, subfamily d, member 1; plus strand). Cytogenetic location: 12q13.12.
Variant type: single nucleotide variant.
Coding change: c.1312C>T on transcript NM_003076.5 (MANE Select); coding-DNA position 1312, C replaced by T.
Protein change: p.Arg438Trp; replaces arginine 438 with tryptophan.
Molecular consequence: missense variant. On other transcripts: intron variant (1).
Genome position (GRCh38, 1-based): chr12:50,096,892, C>T. VCF-style: chr12-50096892-C-T. GRCh37 (hg19) VCF-style: chr12-50490675-C-T.
Other names: c.1270-1822C>T (NM_139071.3); short protein forms R438W.
Identifiers: ClinVar variation 1700817 (VCV001700817.2), dbSNP rs1473235153, ClinGen allele CA384795100.

ClinVar aggregate classification (germline): Uncertain significance (1 of 4 stars; one submission).

gnomAD v4.1: 2 of 1,613,772 alleles (0.00012%); highest among the groups gnomAD compares: Non-Finnish European, 0.00017%; no homozygotes.

Submission:

GeneDx
Classification: Uncertain significance. Last evaluated: 2022-02-10. Review status: criteria provided, single submitter. Criteria: GeneDx Variant Classification Process June 2021. Collection method: clinical testing. Allele origin: germline. Affected: yes.
Comment: Not observed at significant frequency in large population cohorts (gnomAD); In silico analysis supports that this missense variant has a deleterious effect on protein structure/function; Has not been previously published as pathogenic or benign to our knowledge